The following is an entry in ClinVar:

ClinVar aggregate classification (germline): Conflicting classifications of pathogenicity. Review status: criteria provided, conflicting classifications (1 of 4 stars). 2 submissions from 2 submitters: Uncertain significance (1); Likely benign (1). Last evaluated 2025-10-15.

Conditions:
Gastrointestinal stromal tumor. Also called: Gastrointestinal stromal tumor, somatic; Gastrointestinal stroma tumor. Identifiers: Orphanet 44890, MedGen C0238198, MeSH D046152, MONDO:0011719, OMIM 606764, HP:0100723.
Hereditary cancer-predisposing syndrome. Also called: Neoplastic Syndromes, Hereditary; Hereditary Cancer Syndrome; Hereditary neoplastic syndrome; Tumor predisposition. Identifiers: Orphanet 140162, MedGen C0027672, MeSH D009386, MONDO:0015356.

Allele frequency attached by ClinVar (database versions not stated): gnomAD exomes below 0.00001.
gnomAD v4.1: 4 of 1,614,154 alleles (0.00025%); highest among the groups gnomAD compares: Non-Finnish European, 0.00034%; no homozygotes.

Submissions (2):

Ambry Genetics
Classification: Likely benign for Hereditary cancer-predisposing syndrome. Last evaluated: 2025-10-15. Review status: criteria provided, single submitter. Criteria: Ambry Variant Classification Scheme 2023. Collection method: clinical testing. Allele origin: germline.

Labcorp Genetics (formerly Invitae), Labcorp
Classification: Uncertain significance for Gastrointestinal stromal tumor. Last evaluated: 2025-09-03. Review status: criteria provided, single submitter. Criteria: Invitae Variant Classification Sherloc (09022015). Collection method: clinical testing. Allele origin: germline.
Comment: This sequence change replaces threonine, which is neutral and polar, with alanine, which is neutral and non-polar, at codon 259 of the PDGFRA protein (p.Thr259Ala). This variant is not present in population databases (gnomAD no frequency). This variant has not been reported in the literature in individuals affected with PDGFRA-related conditions. ClinVar contains an entry for this variant (Variation ID: 407383). An algorithm developed to predict the effect of missense changes on protein structure and function (PolyPhen-2) suggests that this variant is likely to be tolerated. In summary, the available evidence is currently insufficient to determine the role of this variant in disease. Therefore, it has been classified as a Variant of Uncertain Significance.

NM_006206.6(PDGFRA):c.775A>G (p.Thr259Ala)

Gene: PDGFRA (platelet derived growth factor receptor alpha; plus strand). Cytogenetic location: 4q12.
Variant type: single nucleotide variant.
Coding change: c.775A>G on transcript NM_006206.6 (MANE Select); coding-DNA position 775, A replaced by G.
Protein change: p.Thr259Ala; replaces threonine 259 with alanine.
Molecular consequence: missense variant.
Genome position (GRCh38, 1-based): chr4:54,267,304, A>G. VCF-style: chr4-54267304-A-G. GRCh37 (hg19) VCF-style: chr4-55133471-A-G.
Other names: c.775A>G, p.Thr259Ala (NM_001347827.2, NM_001347829.2); c.850A>G, p.Thr284Ala (NM_001347828.2); c.814A>G, p.Thr272Ala (NM_001347830.2); short protein forms T259A, T272A, T284A.
Identifiers: ClinVar variation 407383 (VCV000407383.12), dbSNP rs1060501503, ClinGen allele CA16611634.